The following is an entry in ClinVar:

NM_001830.4(CLCN4):c.1390-5T>G

Gene: CLCN4 (chloride voltage-gated channel 4; plus strand). Cytogenetic location: Xp22.2.
Variant type: single nucleotide variant.
Coding change: c.1390-5T>G on transcript NM_001830.4 (MANE Select); 5 bases into the intron before coding-DNA position 1390, T replaced by G.
Molecular consequence: intron variant.
Genome position (GRCh38, 1-based): chrX:10,212,462, T>G. VCF-style: chrX-10212462-T-G. GRCh37 (hg19) VCF-style: chrX-10180502-T-G.
Other names: c.1108-5T>G (NM_001256944.2).
Identifiers: ClinVar variation 504310 (VCV000504310.2), dbSNP rs1555976915, ClinGen allele CA658799579.

ClinVar aggregate classification (germline): Uncertain significance (1 of 4 stars; one submission).

Submission:

GeneDx
Classification: Uncertain significance. Last evaluated: 2018-02-08. Review status: criteria provided, single submitter. Criteria: GeneDx Variant Classification (06012015). Collection method: clinical testing. Allele origin: germline. Affected: yes.
Comment: The c.1390-5T>G variant in the CLCN4 gene has not been reported previously as a pathogenic variant, nor as a benign variant, to our knowledge. This variant is predicted to damage or destroy the splice acceptor site in intron 9, and is expected to cause abnormal gene splicing. However, in the absence of RNA/functional studies, the actual effect of c.1390-5T>G in this individual is unknown. The c.1390-5T>G variant is not observed in large population cohorts (Lek et al., 2016). We interpret c.1390-5T>G as a variant of uncertain significance.